The following is an entry in ClinVar:

ClinVar aggregate classification (germline): Uncertain significance (1 of 4 stars; one submission).

Conditions:
Autosomal dominant nonsyndromic hearing loss 1. Also called: KONIGSMARK SYNDROME; DEAFNESS, AUTOSOMAL DOMINANT 1, WITH OR WITHOUT THROMBOCYTOPENIA. Identifiers: Orphanet 90635, MedGen C1852282, MONDO:0007424, OMIM 124900.
Progressive microcephaly-seizures-cortical blindness-developmental delay syndrome. Also called: Seizures, cortical blindness, and microcephaly syndrome. Identifiers: Orphanet 477814, MedGen C5567650, MONDO:0014714, OMIM 616632.

Submission:

Labcorp Genetics (formerly Invitae), Labcorp
Classification: Uncertain significance for Progressive microcephaly-seizures-cortical blindness-developmental delay syndrome; Autosomal dominant nonsyndromic hearing loss 1. Last evaluated: 2023-08-17. Review status: criteria provided, single submitter. Criteria: Invitae Variant Classification Sherloc (09022015). Collection method: clinical testing. Allele origin: germline.
Comment: In summary, the available evidence is currently insufficient to determine the role of this variant in disease. Therefore, it has been classified as a Variant of Uncertain Significance. Experimental studies and prediction algorithms are not available or were not evaluated, and the functional significance of this variant is currently unknown. This variant has not been reported in the literature in individuals affected with DIAPH1-related conditions. This variant is not present in population databases (gnomAD no frequency). This sequence change replaces glycine, which is neutral and non-polar, with serine, which is neutral and polar, at codon 20 of the DIAPH1 protein (p.Gly20Ser).

NM_005219.5(DIAPH1):c.58G>A (p.Gly20Ser)

Gene: DIAPH1 (diaphanous related formin 1; minus strand). Cytogenetic location: 5q31.3.
Variant type: single nucleotide variant.
Coding change: c.58G>A on transcript NM_005219.5 (MANE Select); coding-DNA position 58, G replaced by A.
Protein change: p.Gly20Ser; replaces glycine 20 with serine.
Molecular consequence: missense variant.
Genome position (GRCh38, 1-based): chr5:141,618,857, C>T on the plus strand (G>A on the coding strand, the complement: DIAPH1 is on the minus strand). VCF-style: chr5-141618857-C-T. GRCh37 (hg19) VCF-style: chr5-140998424-C-T.
Other names: c.58G>A, p.Gly20Ser (NM_001079812.3, NM_001314007.2); short protein forms G20S.
Identifiers: ClinVar variation 2951074 (VCV002951074.3), dbSNP rs2513851143, ClinGen allele CA361508682.